The following is an entry in ClinVar:

ClinVar aggregate classification (germline): Likely pathogenic (1 of 4 stars; one submission).

Conditions:
Lysinuric protein intolerance (LPI). Identifiers: Orphanet 470, MedGen C0268647, MONDO:0009109, OMIM 222700.

Submission:

Labcorp Genetics (formerly Invitae), Labcorp
Classification: Likely pathogenic for Lysinuric protein intolerance. Last evaluated: 2023-10-22. Review status: criteria provided, single submitter. Criteria: Invitae Variant Classification Sherloc (09022015). Collection method: clinical testing. Allele origin: germline.
Comment: This sequence change affects a donor splice site in intron 9 of the SLC7A7 gene. It is expected to disrupt RNA splicing. Variants that disrupt the donor or acceptor splice site typically lead to a loss of protein function (PMID: 16199547), and loss-of-function variants in SLC7A7 are known to be pathogenic (PMID: 10631139, 17764084). This variant is not present in population databases (gnomAD no frequency). This variant has not been reported in the literature in individuals affected with SLC7A7-related conditions. ClinVar contains an entry for this variant (Variation ID: 1995980). Algorithms developed to predict the effect of sequence changes on RNA splicing suggest that this variant may disrupt the consensus splice site. In summary, the currently available evidence indicates that the variant is pathogenic, but additional data are needed to prove that conclusively. Therefore, this variant has been classified as Likely Pathogenic.

Literature cited by the submitters: PubMed 16199547; PubMed 10631139; PubMed 17764084.

NM_003982.4(SLC7A7):c.1245+2T>C

Gene: SLC7A7 (solute carrier family 7 member 7; minus strand). Cytogenetic location: 14q11.2.
Variant type: single nucleotide variant.
Coding change: c.1245+2T>C on transcript NM_003982.4 (MANE Select); the canonical splice donor site of the intron after coding-DNA position 1245, T replaced by C.
Molecular consequence: splice donor variant.
Genome position (GRCh38, 1-based): chr14:22,774,352, A>G on the plus strand (T>C on the coding strand, the complement: SLC7A7 is on the minus strand). VCF-style: chr14-22774352-A-G. GRCh37 (hg19) VCF-style: chr14-23243561-A-G.
Other names: c.1245+2T>C (NM_001126106.4, NM_001126105.3).
Identifiers: ClinVar variation 1995980 (VCV001995980.4), dbSNP rs2501835633, ClinGen allele CA388921527.